The following is an entry in ClinVar:

ClinVar aggregate classification (germline): Uncertain significance (1 of 4 stars; one submission).

Allele frequency attached by ClinVar (database versions not stated): ExAC 0.00004; ESP Exome Variant Server 0.00008.
gnomAD v4.1: 15 of 1,611,802 alleles (0.00093%); highest among the groups gnomAD compares: Admixed American, 0.0017%; no homozygotes.

Submission:

Women's Health and Genetics/Laboratory Corporation of America, LabCorp
Classification: Uncertain significance. Last evaluated: 2023-03-27. Review status: criteria provided, single submitter. Criteria: LabCorp Variant Classification Summary - May 2015. Collection method: clinical testing. Allele origin: germline.
Comment: Variant summary: SPTBN2 c.1282G>T (p.Ala428Ser) results in a conservative amino acid change in the encoded protein sequence. Three of four in-silico tools predict a benign effect of the variant on protein function. The variant allele was found at a frequency of 1.6e-05 in 247794 control chromosomes (gnomAD). The available data on variant occurrences in the general population are insufficient to allow any conclusion about variant significance. To our knowledge, no occurrence of c.1282G>T in individuals affected with Spinocerebellar Ataxia 5 and no experimental evidence demonstrating its impact on protein function have been reported. No clinical diagnostic laboratories have submitted clinical-significance assessments for this variant to ClinVar after 2014. Based on the evidence outlined above, the variant was classified as uncertain significance.

NM_006946.4(SPTBN2):c.1282G>T (p.Ala428Ser)

Gene: SPTBN2 (spectrin beta, non-erythrocytic 2; minus strand). Cytogenetic location: 11q13.2.
Variant type: single nucleotide variant.
Coding change: c.1282G>T on transcript NM_006946.4 (MANE Select); coding-DNA position 1282, G replaced by T.
Protein change: p.Ala428Ser; replaces alanine 428 with serine.
Molecular consequence: missense variant.
Genome position (GRCh38, 1-based): chr11:66,708,209, C>A on the plus strand (G>T on the coding strand, the complement: SPTBN2 is on the minus strand). VCF-style: chr11-66708209-C-A. GRCh37 (hg19) VCF-style: chr11-66475680-C-A.
Other names: c.1303G>T, p.Ala435Ser (NM_001411025.1); short protein forms A428S, A435S.
Identifiers: ClinVar variation 2501189 (VCV002501189.1), dbSNP rs372390933, ClinGen allele CA6129419.